The following is an entry in ClinVar:

GRCh37/hg19 5q22.2-23.3(chr5:112557391-128106299)x1

Genes: C5orf63 (chromosome 5 open reading frame 63; minus strand), ALDH7A1 (aldehyde dehydrogenase 7 family member A1; minus strand), AP3S1 (adaptor related protein complex 3 subunit sigma 1; plus strand), ARL14EPL (ARF like GTPase 14 effector protein like; plus strand), ATG12 (autophagy related 12; minus strand) and 43 more. Cytogenetic location: 5q22.2-23.3.
Variant type: copy number loss.
Change: copy number 1 (one copy instead of two) of chr5:112,557,391-128,106,299 (15.55 Mb, GRCh37 coordinates, 1-based), cytogenetic band 5q22.2-23.3.
Identifiers: ClinVar variation 1809359 (VCV001809359.1).

ClinVar aggregate classification (germline): Pathogenic (1 of 4 stars; one submission).

Submission:

Quest Diagnostics Nichols Institute San Juan Capistrano
Classification: Pathogenic. Last evaluated: 2021-11-02. Review status: criteria provided, single submitter. Criteria: ACMG/ClinGen CNV Guidelines, 2019. Collection method: clinical testing. Allele origin: unknown.
Comment: This deletion interval involves numerous genes associated withautosomal dominant and recessive OMIM phenotypes. An overlapping deletion was reported in an individual presenting with failure to thrive, developmental delay, distinct craniofacial dysmorphicf eatures, and associated structural anomalies including cleft palate, iris colobomata, and horseshoe kidney (Garcia-Minaur 2005). References Garcia-Minaur et al., Am J Med Genet A. 2005 Feb 1;132A(4):402-10.PMID: 15742475